The following is an entry in ClinVar:

NM_004360.5(CDH1):c.992C>A (p.Thr331Asn)

Gene: CDH1 (cadherin 1; plus strand). Cytogenetic location: 16q22.1.
Variant type: single nucleotide variant.
Coding change: c.992C>A on transcript NM_004360.5 (MANE Select); coding-DNA position 992, C replaced by A.
Protein change: p.Thr331Asn; replaces threonine 331 with asparagine.
Molecular consequence: missense variant. On other transcripts: 5 prime UTR variant (2).
Genome position (GRCh38, 1-based): chr16:68,811,843, C>A. VCF-style: chr16-68811843-C-A. GRCh37 (hg19) VCF-style: chr16-68845746-C-A.
Other names: c.992C>A, p.Thr331Asn (NM_001317184.2); c.-624C>A (NM_001317185.2); c.-828C>A (NM_001317186.2); short protein forms T331N.
Identifiers: ClinVar variation 823557 (VCV000823557.8), dbSNP rs1597894293, ClinGen allele CA396459876.
Genomic context (GRCh38, chr16:68,811,843, plus strand): 5'-TCCCTGACAAAAATATGTTCACCATTAACAGGAACACAGGAGTCATCAGTGTGGTCACCA[C>A]TGGGCTGGACCGAGAGGTCAGGGGTCAGGAGGATCCAGAGGGTGTGGAGGACAAATGTGT-3'
Protein context (NP_004351.1, residues 321-341): RNTGVISVVT[Thr331Asn]GLDRESFPTY

ClinVar aggregate classification (germline): Conflicting classifications of pathogenicity. Review status: criteria provided, conflicting classifications (1 of 4 stars). 2 submissions from 2 submitters: Uncertain significance (1); Likely benign (1). Last evaluated 2026-05-15.

Conditions:
Hereditary cancer-predisposing syndrome. Also called: Tumor predisposition; Neoplastic Syndromes, Hereditary; Hereditary neoplastic syndrome; Hereditary Cancer Syndrome. Identifiers: Orphanet 140162, MedGen C0027672, MeSH D009386, MONDO:0015356.
Hereditary diffuse gastric adenocarcinoma (HDGC). Also called: DIFFUSE GASTRIC AND LOBULAR BREAST CANCER SYNDROME. Identifiers: Orphanet 26106, MedGen C1708349, MONDO:0007648, OMIM 137215.

Submissions (2):

Ambry Genetics
Classification: Likely benign for Hereditary cancer-predisposing syndrome. Last evaluated: 2026-05-15. Review status: criteria provided, single submitter. Criteria: Ambry Variant Classification Scheme 2023. Collection method: clinical testing. Allele origin: germline.

Labcorp Genetics (formerly Invitae), Labcorp
Classification: Uncertain significance for Hereditary diffuse gastric adenocarcinoma. Last evaluated: 2024-03-14. Review status: criteria provided, single submitter. Criteria: Invitae Variant Classification Sherloc (09022015). Collection method: clinical testing. Allele origin: germline.
Comment: This sequence change replaces threonine, which is neutral and polar, with asparagine, which is neutral and polar, at codon 331 of the CDH1 protein (p.Thr331Asn). This variant is not present in population databases (gnomAD no frequency). This variant has not been reported in the literature in individuals affected with CDH1-related conditions. ClinVar contains an entry for this variant (Variation ID: 823557). An algorithm developed to predict the effect of missense changes on protein structure and function (PolyPhen-2) suggests that this variant is likely to be disruptive. In summary, the available evidence is currently insufficient to determine the role of this variant in disease. Therefore, it has been classified as a Variant of Uncertain Significance.